The following is an entry in ClinVar:

ClinVar aggregate classification (germline): Uncertain significance (1 of 4 stars; one submission).

gnomAD v4.1: 46 of 1,614,084 alleles (0.0028%); highest among the groups gnomAD compares: Middle Eastern, 0.033%; no homozygotes.

Submission:

Women's Health and Genetics/Laboratory Corporation of America, LabCorp
Classification: Uncertain significance. Last evaluated: 2024-12-30. Review status: criteria provided, single submitter. Criteria: LabCorp Variant Classification Summary - May 2015. Collection method: clinical testing. Allele origin: germline.
Comment: Variant summary: TGM6 c.1195T>G (p.Tyr399Asp) results in a non-conservative amino acid change in the encoded protein sequence. Four of five in-silico tools predict a benign effect of the variant on protein function. The variant allele was found at a frequency of 4e-05 in 251456 control chromosomes. This frequency is not significantly higher than estimated for a pathogenic variant in TGM6 causing Spinocerebellar Ataxia 35, allowing no conclusion about variant significance. To our knowledge, no occurrence of c.1195T>G in individuals affected with Spinocerebellar Ataxia 35 and no experimental evidence demonstrating its impact on protein function have been reported. No submitters have cited clinical-significance assessments for this variant to ClinVar. Based on the evidence outlined above, the variant was classified as uncertain significance.

NM_198994.3(TGM6):c.1195T>G (p.Tyr399Asp)

Gene: TGM6 (transglutaminase 6; plus strand). Cytogenetic location: 20p13.
Variant type: single nucleotide variant.
Coding change: c.1195T>G on transcript NM_198994.3 (MANE Select); coding-DNA position 1195, T replaced by G.
Protein change: p.Tyr399Asp; replaces tyrosine 399 with aspartic acid.
Molecular consequence: missense variant.
Genome position (GRCh38, 1-based): chr20:2,403,682, T>G. VCF-style: chr20-2403682-T-G. GRCh37 (hg19) VCF-style: chr20-2384328-T-G.
Other names: c.1195T>G, p.Tyr399Asp (NM_001254734.2); short protein forms Y399D.
Identifiers: ClinVar variation 3768025 (VCV003768025.1).
Genomic context (GRCh38, chr20:2,403,682, plus strand): 5'-GAGGGTGATGTGCACCTGGCTCACGATGGCCCCTTCGTGTTTGCGGAGGTCAACGCCGAC[T>G]ACATCACCTGGCTGTGGCACGAGGATGAGAGCCGGGAGCGTGTATACTCAAACACGAAGA-3'
Protein context (NP_945345.2, residues 389-409): PFVFAEVNAD[Tyr399Asp]ITWLWHEDES